The following is an entry in ClinVar:

NM_017534.6(MYH2):c.3653G>A (p.Arg1218Gln)

Genes: MYH2 (myosin heavy chain 2; minus strand), MYHAS (myosin heavy chain gene cluster antisense RNA; plus strand). Cytogenetic location: 17p13.1.
Variant type: single nucleotide variant.
Coding change: c.3653G>A on transcript NM_017534.6 (MANE Select); coding-DNA position 3653, G replaced by A.
Protein change: p.Arg1218Gln; replaces arginine 1218 with glutamine.
Molecular consequence: missense variant.
Genome position (GRCh38, 1-based): chr17:10,528,781, C>T on the plus strand (G>A on the coding strand, the complement: MYH2 is on the minus strand). VCF-style: chr17-10528781-C-T. GRCh37 (hg19) VCF-style: chr17-10432098-C-T.
Other names: c.3653G>A, p.Arg1218Gln (NM_001100112.2); c.3653G>A (NM_017534.5); short protein forms R1218Q.
Identifiers: ClinVar variation 999146 (VCV000999146.8), dbSNP rs139755852, ClinGen allele CA8390846.

ClinVar aggregate classification (germline): Uncertain significance. Review status: criteria provided, multiple submitters, no conflicts (2 of 4 stars). 3 submissions from 3 submitters: Uncertain significance (3). Last evaluated 2026-01-23.

Conditions:
Inborn genetic diseases. Identifiers: MedGen C0950123, MeSH D030342.
Myopathy, proximal, and ophthalmoplegia (CMYO6). Also called: CONGENITAL MYOPATHY 6 WITH OPHTHALMOPLEGIA; INCLUSION BODY MYOPATHY 3, AUTOSOMAL DOMINANT; MYOPATHY WITH CONGENITAL JOINT CONTRACTURES, OPHTHALMOPLEGIA, AND RIMMED VACUOLES. Identifiers: Orphanet 363677, Orphanet 79091, MedGen C1854106, MONDO:0011577, OMIM 605637.

Allele frequency attached by ClinVar (database versions not stated): gnomAD 0.00001 and 0.00002; TOPMed 0.00002; ExAC 0.00004; gnomAD exomes 0.00005 and 0.00007; ESP Exome Variant Server 0.00008.
gnomAD v4.1: 74 of 1,614,030 alleles (0.0046%); highest among the groups gnomAD compares: South Asian, 0.037%; no homozygotes.

Submissions (3):

Labcorp Genetics (formerly Invitae), Labcorp
Classification: Uncertain significance for Myopathy, proximal, and ophthalmoplegia. Last evaluated: 2026-01-23. Review status: criteria provided, single submitter. Criteria: Invitae Variant Classification Sherloc (09022015). Collection method: clinical testing. Allele origin: germline.
Comment: This sequence change replaces arginine, which is basic and polar, with glutamine, which is neutral and polar, at codon 1218 of the MYH2 protein (p.Arg1218Gln). This variant is present in population databases (rs139755852, gnomAD 0.04%). This variant has not been reported in the literature in individuals affected with MYH2-related conditions. ClinVar contains an entry for this variant (Variation ID: 999146). Invitae Evidence Modeling of protein sequence and biophysical properties (such as structural, functional, and spatial information, amino acid conservation, physicochemical variation, residue mobility, and thermodynamic stability) indicates that this missense variant is expected to disrupt MYH2 protein function with a positive predictive value of 80%. In summary, the available evidence is currently insufficient to determine the role of this variant in disease. Therefore, it has been classified as a Variant of Uncertain Significance.

Ambry Genetics
Classification: Uncertain significance for Inborn genetic diseases. Last evaluated: 2024-08-01. Review status: criteria provided, single submitter. Criteria: Ambry Variant Classification Scheme 2023. Collection method: clinical testing. Allele origin: germline.

Revvity Omics, Revvity
Classification: Uncertain significance for Myopathy, proximal, and ophthalmoplegia. Last evaluated: 2023-05-18. Review status: criteria provided, single submitter. Criteria: ACMG Guidelines, 2015. Collection method: clinical testing. Allele origin: germline.